The following is an entry in ClinVar:

NM_000540.3(RYR1):c.10059C>T (p.Leu3353=)

Gene: RYR1 (ryanodine receptor 1; plus strand). Cytogenetic location: 19q13.2.
Variant type: single nucleotide variant.
Coding change: c.10059C>T on transcript NM_000540.3 (MANE Select); coding-DNA position 10059, C replaced by T.
Protein change: p.Leu3353=; no amino-acid change (leucine 3353 retained).
Molecular consequence: synonymous variant.
Genome position (GRCh38, 1-based): chr19:38,519,254, C>T. VCF-style: chr19-38519254-C-T. GRCh37 (hg19) VCF-style: chr19-39009894-C-T.
Other names: c.10059C>T, p.Leu3353= (NM_001042723.2).
Identifiers: ClinVar variation 544498 (VCV000544498.12), dbSNP rs1454287833, ClinGen allele CA507354372.

ClinVar aggregate classification (germline): Likely benign. Review status: criteria provided, multiple submitters, no conflicts (2 of 4 stars). 3 submissions from 3 submitters: Likely benign (3). Last evaluated 2025-11-12.

Conditions:
RYR1-related disorder. Also called: RYR1-related condition; RYR1-related disorders. Identifiers: MedGen CN239331.
Malignant hyperthermia, susceptibility to, 1 (MHS1). Also called: RYR1-Related Malignant Hyperthermia Susceptibility; Anesthesia related hyperthermia; Malignant hyperpyrexia; Fulminating hyperpyrexia; Pharmacogenic myopathy; Malignant hyperthermia suceptibility 1. Identifiers: Orphanet 423, MedGen C2930980, MONDO:0007783, OMIM 145600.

Allele frequency attached by ClinVar (database versions not stated): gnomAD exomes below 0.00001 and 0.00002; TOPMed 0.00001; gnomAD 0.00002.
gnomAD v4.1: 10 of 1,613,978 alleles (0.00062%); highest among the groups gnomAD compares: African/African-American, 0.0053%; no homozygotes.

Submissions (3):

Labcorp Genetics (formerly Invitae), Labcorp
Classification: Likely benign for RYR1-related disorder. Last evaluated: 2025-11-12. Review status: criteria provided, single submitter. Criteria: Invitae Variant Classification Sherloc (09022015). Collection method: clinical testing. Allele origin: germline.

All of Us Research Program, National Institutes of Health
Classification: Likely benign for Malignant hyperthermia, susceptibility to, 1. Last evaluated: 2023-06-26. Review status: criteria provided, single submitter. Criteria: ACMG Guidelines, 2015. Collection method: clinical testing. Allele origin: germline. Inheritance: Autosomal dominant inheritance. Observed: 1 variant allele, 1 heterozygote.
Comment: This study involves interpretation of variants in research participants for the purpose of population health screening. Participant phenotype was not available at the time of variant classification. Additional details can be found in publication PMID: 35346344, PMCID: PMC8962531

Color Diagnostics, LLC DBA Color Health
Classification: Likely benign for Malignant hyperthermia, susceptibility to, 1. Last evaluated: 2022-11-06. Review status: criteria provided, single submitter. Criteria: ACMG Guidelines, 2015. Collection method: clinical testing. Allele origin: germline.